The following is an entry in ClinVar:

ClinVar aggregate classification (germline): Uncertain significance (1 of 4 stars; one submission).

Conditions:
Cardiovascular phenotype. Identifiers: MedGen CN230736.

Submission:

Ambry Genetics
Classification: Uncertain significance for Cardiovascular phenotype. Last evaluated: 2026-05-11. Review status: criteria provided, single submitter. Criteria: Ambry Variant Classification Scheme 2023. Collection method: clinical testing. Allele origin: germline.
Comment: The c.1825C>T (p.L609F) alteration is located in exon 17 (coding exon 16) of the RAF1 gene. This alteration results from a C to T substitution at nucleotide position 1825, causing the leucine (L) at amino acid position 609 to be replaced by a phenylalanine (F). Based on data from gnomAD, the T allele has an overall frequency of <0.001% (1/251378) total alleles studied. The highest observed frequency was 0.001% (1/113662) of European (non-Finnish) alleles. This amino acid position is highly conserved in available vertebrate species. This alteration is predicted to be deleterious by in silico analysis. Based on insufficient or conflicting evidence, the clinical significance of this alteration remains unclear.

NM_002880.4(RAF1):c.1825C>T (p.Leu609Phe)

Gene: RAF1 (Raf-1 proto-oncogene, serine/threonine kinase; minus strand). Cytogenetic location: 3p25.2.
Variant type: single nucleotide variant.
Coding change: c.1825C>T on transcript NM_002880.4 (MANE Select); coding-DNA position 1825, C replaced by T.
Protein change: p.Leu609Phe; replaces leucine 609 with phenylalanine.
Molecular consequence: missense variant. On other transcripts: non-coding transcript variant (3).
Genome position (GRCh38, 1-based): chr3:12,584,636, G>A on the plus strand (C>T on the coding strand, the complement: RAF1 is on the minus strand). VCF-style: chr3-12584636-G-A. GRCh37 (hg19) VCF-style: chr3-12626135-G-A.
Other names: c.1885C>T, p.Leu629Phe (NM_001354689.3); c.1825C>T, p.Leu609Phe (NM_001354690.3); c.1582C>T, p.Leu528Phe (NM_001354691.3, NM_001354692.3); c.1726C>T, p.Leu576Phe (NM_001354693.3); c.1642C>T, p.Leu548Phe (NM_001354694.3); c.1483C>T, p.Leu495Phe (NM_001354695.3); short protein forms L495F, L576F, L528F, L548F, L609F, L629F.
Identifiers: ClinVar variation 3942502 (VCV003942502.2).